The following is an entry in ClinVar:

NM_002103.5(GYS1):c.1492C>T (p.Arg498Cys)

Gene: GYS1 (glycogen synthase 1; minus strand). Cytogenetic location: 19q13.33.
Variant type: single nucleotide variant.
Coding change: c.1492C>T on transcript NM_002103.5 (MANE Select); coding-DNA position 1492, C replaced by T.
Protein change: p.Arg498Cys; replaces arginine 498 with cysteine.
Molecular consequence: missense variant. On other transcripts: non-coding transcript variant (1).
Genome position (GRCh38, 1-based): chr19:48,974,270, G>A on the plus strand (C>T on the coding strand, the complement: GYS1 is on the minus strand). VCF-style: chr19-48974270-G-A. GRCh37 (hg19) VCF-style: chr19-49477527-G-A.
Other names: p.Arg498Cys; c.1300C>T, p.Arg434Cys (NM_001161587.2); short protein forms R434C, R498C.
Identifiers: ClinVar variation 1014236 (VCV001014236.7), dbSNP rs766146709, ClinGen allele CA9562932.

ClinVar aggregate classification (germline): Uncertain significance. Review status: criteria provided, multiple submitters, no conflicts (2 of 4 stars). 2 submissions from 2 submitters: Uncertain significance (2). Last evaluated 2025-07-24.

Conditions:
Glycogen storage disease due to muscle and heart glycogen synthase deficiency. Also called: GSD 0b; MUSCLE GLYCOGEN SYNTHASE DEFICIENCY. Identifiers: Orphanet 137625, MedGen C1969054, MONDO:0012693, OMIM 611556.

Allele frequency attached by ClinVar (database versions not stated): gnomAD 0.00002; gnomAD exomes 0.00002; ExAC 0.00003; TOPMed 0.00003.

Submissions (2):

Mayo Clinic Laboratories, Mayo Clinic
Classification: Uncertain significance. Last evaluated: 2025-07-24. Review status: criteria provided, single submitter. Criteria: ACMG Guidelines, 2015. Collection method: clinical testing. Allele origin: germline. Observed: 1 variant allele.
Comment: PP3, PM2_supporting

Labcorp Genetics (formerly Invitae), Labcorp
Classification: Uncertain significance for Glycogen storage disease due to muscle and heart glycogen synthase deficiency. Last evaluated: 2022-08-15. Review status: criteria provided, single submitter. Criteria: Invitae Variant Classification Sherloc (09022015). Collection method: clinical testing. Allele origin: germline.
Comment: In summary, the available evidence is currently insufficient to determine the role of this variant in disease. Therefore, it has been classified as a Variant of Uncertain Significance. Algorithms developed to predict the effect of missense changes on protein structure and function (SIFT, PolyPhen-2, Align-GVGD) all suggest that this variant is likely to be disruptive. ClinVar contains an entry for this variant (Variation ID: 1014236). This variant has not been reported in the literature in individuals affected with GYS1-related conditions. This variant is present in population databases (rs766146709, gnomAD 0.01%). This sequence change replaces arginine, which is basic and polar, with cysteine, which is neutral and slightly polar, at codon 498 of the GYS1 protein (p.Arg498Cys).